The following is an entry in ClinVar:

ClinVar aggregate classification (germline): Uncertain significance. Review status: criteria provided, multiple submitters, no conflicts (2 of 4 stars). 2 submissions from 2 submitters: Uncertain significance (2). Last evaluated 2024-11-08.

Conditions:
Polycystic kidney disease, adult type (PKD1). Also called: Polycystic Kidney, Autosomal Dominant; POLYCYSTIC KIDNEY DISEASE 1 WITH OR WITHOUT POLYCYSTIC LIVER DISEASE; Polycystic Kidney Disease 1, Autosomal Dominant; Polycystic kidney disease 1; Polycystic kidney disease 1, severe; POLYCYSTIC KIDNEY DISEASE, ADULT, TYPE I. Identifiers: MedGen C3149841, MONDO:0008263, OMIM 173900.

Submissions (2):

GeneDx
Classification: Uncertain significance. Last evaluated: 2024-11-08. Review status: criteria provided, single submitter. Criteria: GeneDx Variant Classification Process June 2021. Collection method: clinical testing. Allele origin: germline. Affected: yes.
Comment: Not observed at significant frequency in large population cohorts (gnomAD); In silico analysis indicates that this missense variant does not alter protein structure/function; Has not been previously published as pathogenic or benign to our knowledge

Department of Pathology and Laboratory Medicine, Sinai Health System
Classification: Uncertain significance for Polycystic kidney disease, adult type. Last evaluated: 2023-12-05. Review status: criteria provided, single submitter. Criteria: ACMG Guidelines, 2015. Collection method: clinical testing. Allele origin: germline. Affected: yes.

NM_001009944.3(PKD1):c.3741G>T (p.Met1247Ile)

Gene: PKD1 (polycystin 1, transient receptor potential channel interacting; minus strand). Cytogenetic location: 16p13.3.
Variant type: single nucleotide variant.
Coding change: c.3741G>T on transcript NM_001009944.3 (MANE Select); coding-DNA position 3741, G replaced by T.
Protein change: p.Met1247Ile; replaces methionine 1247 with isoleucine.
Molecular consequence: missense variant.
Genome position (GRCh38, 1-based): chr16:2,111,426, C>A on the plus strand (G>T on the coding strand, the complement: PKD1 is on the minus strand). VCF-style: chr16-2111426-C-A. GRCh37 (hg19) VCF-style: chr16-2161427-C-A.
Other names: c.3741G>T, p.Met1247Ile (NM_000296.4); short protein forms M1247I.
Identifiers: ClinVar variation 3780249 (VCV003780249.2).